The following is an entry in ClinVar:

NM_000051.4(ATM):c.193C>G (p.Gln65Glu)

Gene: ATM (ATM serine/threonine kinase; plus strand). Cytogenetic location: 11q22.3.
Variant type: single nucleotide variant.
Coding change: c.193C>G on transcript NM_000051.4 (MANE Select); coding-DNA position 193, C replaced by G.
Protein change: p.Gln65Glu; replaces glutamine 65 with glutamic acid.
Molecular consequence: missense variant.
Genome position (GRCh38, 1-based): chr11:108,229,185, C>G. VCF-style: chr11-108229185-C-G. GRCh37 (hg19) VCF-style: chr11-108099912-C-G.
Other names: c.193C>G, p.Gln65Glu (NM_001351834.2, NM_001351835.2, NM_001351836.2); short protein forms Q65E.
Identifiers: ClinVar variation 485178 (VCV000485178.18), dbSNP rs775248597, ClinGen allele CA6264534.
Genomic context (GRCh38, chr11:108,229,185, plus strand): 5'-TTATAATTTAAGTATTCAACGAGTTTCTGAAATTGCATTTTGTTTTCTTGAAGATTTTTA[C>G]AGAAATATATTCAGAAAGAAACAGAATGTCTGAGAATAGCAAAACCAAATGTATCAGCCT-3'
Protein context (NP_000042.3, residues 55-75): LNWDAVFRFL[Gln65Glu]KYIQKETECL

ClinVar aggregate classification (germline): Conflicting classifications of pathogenicity. Review status: criteria provided, conflicting classifications (1 of 4 stars). 7 submissions from 7 submitters: Uncertain significance (5); Likely benign (2). Last evaluated 2025-08-25.

Conditions:
Hereditary cancer-predisposing syndrome. Also called: Tumor predisposition; Hereditary Cancer Syndrome; Neoplastic Syndromes, Hereditary; Hereditary neoplastic syndrome. Identifiers: Orphanet 140162, MedGen C0027672, MeSH D009386, MONDO:0015356.
Familial cancer of breast. Also called: hereditary breast carcinoma; Hereditary breast cancer; BREAST CANCER, FAMILIAL. Identifiers: Orphanet 227535, MedGen C0346153, MONDO:0016419, OMIM 114480. Disease mechanism: loss of function.
Ataxia-telangiectasia syndrome (AT). Also called: Cerebello-oculocutaneous telangiectasia; Immunodeficiency with ataxia telangiectasia; Ataxia-telangiectasia; Ataxia-telangiectasia, complementation group D; AT, COMPLEMENTATION GROUP C; ATAXIA-TELANGIECTASIA, COMPLEMENTATION GROUP A. Identifiers: Orphanet 100, MedGen C0004135, MONDO:0008840, OMIM 208900.

Allele frequency attached by ClinVar (database versions not stated): gnomAD exomes below 0.00001 and 0.00001; TOPMed below 0.00001; ExAC 0.00002.
gnomAD v4.1: 2 of 1,610,504 alleles (0.00012%); highest among the groups gnomAD compares: Admixed American, 0.0017%; no homozygotes.

Submissions (7):

Color Diagnostics, LLC DBA Color Health
Classification: Likely benign for Hereditary cancer-predisposing syndrome. Last evaluated: 2025-08-25. Review status: criteria provided, single submitter. Criteria: ACMG Guidelines, 2015. Collection method: clinical testing. Allele origin: germline.

Labcorp Genetics (formerly Invitae), Labcorp
Classification: Uncertain significance for Ataxia-telangiectasia syndrome. Last evaluated: 2025-08-25. Review status: criteria provided, single submitter. Criteria: Invitae Variant Classification Sherloc (09022015). Collection method: clinical testing. Allele origin: germline.
Comment: This sequence change replaces glutamine, which is neutral and polar, with glutamic acid, which is acidic and polar, at codon 65 of the ATM protein (p.Gln65Glu). This variant is present in population databases (rs775248597, gnomAD 0.006%). This variant has not been reported in the literature in individuals affected with ATM-related conditions. ClinVar contains an entry for this variant (Variation ID: 485178). Invitae Evidence Modeling of protein sequence and biophysical properties (such as structural, functional, and spatial information, amino acid conservation, physicochemical variation, residue mobility, and thermodynamic stability) indicates that this missense variant is not expected to disrupt ATM protein function with a negative predictive value of 95%. In summary, the available evidence is currently insufficient to determine the role of this variant in disease. Therefore, it has been classified as a Variant of Uncertain Significance.

Laboratorio de I+D, Fundación Centro Médico de Asturias
Classification: Likely benign for Hereditary cancer-predisposing syndrome. Last evaluated: 2025-07-07. Review status: criteria provided, single submitter. Criteria: ACMG Guidelines, 2015. Collection method: clinical testing. Allele origin: germline.
Comment: BP1+BP4+PM2_Supporting

Women's Health and Genetics/Laboratory Corporation of America, LabCorp
Classification: Uncertain significance. Last evaluated: 2025-06-18. Review status: criteria provided, single submitter. Criteria: LabCorp Variant Classification Summary - May 2015. Collection method: clinical testing. Allele origin: germline.
Comment: Variant summary: ATM c.193C>G (p.Gln65Glu) results in a conservative amino acid change in the encoded protein sequence. Algorithms developed to predict the effect of missense changes on protein structure and function are either unavailable or do not agree on the potential impact of this missense change. The variant allele was found at a frequency of 8.1e-06 in 247070 control chromosomes. The available data on variant occurrences in the general population are insufficient to allow any conclusion about variant significance. To our knowledge, no occurrence of c.193C>G in individuals affected with ATM-related conditions and no experimental evidence demonstrating its impact on protein function have been reported. ClinVar contains an entry for this variant (Variation ID: 485178). Based on the evidence outlined above, the variant was classified as uncertain significance.

Baylor Genetics
Classification: Uncertain significance for Familial cancer of breast. Last evaluated: 2024-02-27. Review status: criteria provided, single submitter. Criteria: ACMG Guidelines, 2015. Collection method: clinical testing. Allele origin: unknown.

Ambry Genetics
Classification: Uncertain significance for Hereditary cancer-predisposing syndrome. Last evaluated: 2023-11-30. Review status: criteria provided, single submitter. Criteria: Ambry Variant Classification Scheme 2023. Collection method: clinical testing. Allele origin: germline.
Comment: The p.Q65E variant (also known as c.193C>G), located in coding exon 3 of the ATM gene, results from a C to G substitution at nucleotide position 193. The glutamine at codon 65 is replaced by glutamic acid, an amino acid with highly similar properties. This amino acid position is highly conserved in available vertebrate species. In addition, this alteration is predicted to be tolerated by in silico analysis. Since supporting evidence is limited at this time, the clinical significance of this alteration remains unclear.

Blueprint Genetics
Classification: Uncertain significance. Last evaluated: 2023-02-09. Review status: criteria provided, single submitter. Criteria: ACMG Guidelines, 2015. Collection method: clinical testing. Allele origin: germline.

Literature cited by the submitters: PubMed 36243179 (cited by Women's Health and Genetics/Laboratory Corporation of America, LabCorp).